The following is an entry in ClinVar:

ClinVar aggregate classification (germline): Uncertain significance (1 of 4 stars; one submission).

gnomAD v4.1: 1 of 1,600,462 alleles (0.000062%); highest among the groups gnomAD compares: East Asian, 0.0022%; no homozygotes.

Submission:

Labcorp Genetics (formerly Invitae), Labcorp
Classification: Uncertain significance. Last evaluated: 2025-10-22. Review status: criteria provided, single submitter. Criteria: Invitae Variant Classification Sherloc (09022015). Collection method: clinical testing. Allele origin: germline.
Comment: This sequence change replaces arginine, which is basic and polar, with glycine, which is neutral and non-polar, at codon 1315 of the RERE protein (p.Arg1315Gly). This variant is not present in population databases (gnomAD no frequency). This variant has not been reported in the literature in individuals affected with RERE-related conditions. ClinVar contains an entry for this variant (Variation ID: 3694643). Invitae Evidence Modeling of protein sequence and biophysical properties (such as structural, functional, and spatial information, amino acid conservation, physicochemical variation, residue mobility, and thermodynamic stability) has been performed for this missense variant. However, the output from this modeling did not meet the statistical confidence thresholds required to predict the impact of this variant on RERE protein function. In summary, the available evidence is currently insufficient to determine the role of this variant in disease. Therefore, it has been classified as a Variant of Uncertain Significance.

NM_001042681.2(RERE):c.3943C>G (p.Arg1315Gly)

Gene: RERE (arginine-glutamic acid dipeptide repeats; minus strand). Cytogenetic location: 1p36.23.
Variant type: single nucleotide variant.
Coding change: c.3943C>G on transcript NM_001042681.2 (MANE Select); coding-DNA position 3943, C replaced by G.
Protein change: p.Arg1315Gly; replaces arginine 1315 with glycine.
Molecular consequence: missense variant.
Genome position (GRCh38, 1-based): chr1:8,358,592, G>C on the plus strand (C>G on the coding strand, the complement: RERE is on the minus strand). VCF-style: chr1-8358592-G-C. GRCh37 (hg19) VCF-style: chr1-8418652-G-C.
Other names: c.2281C>G, p.Arg761Gly (NM_001042682.2); c.3943C>G, p.Arg1315Gly (NM_012102.4); short protein forms R1315G, R761G.
Identifiers: ClinVar variation 3694643 (VCV003694643.2).